The following is an entry in ClinVar:

ClinVar aggregate classification (germline): Uncertain significance. Review status: criteria provided, multiple submitters, no conflicts (2 of 4 stars). 3 submissions from 3 submitters: Uncertain significance (3). Last evaluated 2026-07-15.

Conditions:
Inborn genetic diseases. Identifiers: MedGen C0950123, MeSH D030342.
Monocytopenia with susceptibility to infections. Also called: MONOCYTOPENIA AND MYCOBACTERIAL INFECTION SYNDROME; MONOCYTOPENIA WITH SUSCEPTIBILITY TO MYCOBACTERIAL, FUNGAL, AND PAPILLOMAVIRUS INFECTIONS AND MYELODYSPLASIA; COMBINED IMMUNODEFICIENCY WITH SUSCEPTIBILITY TO MYCOBACTERIAL, VIRAL, AND FUNGAL INFECTIONS; Dendritic cell, monocyte, B lymphocyte, and natural killer lymphocyte deficiency; IMMUNODEFICIENCY 21; GATA2 DEFICIENCY. Identifiers: Orphanet 228423, MedGen C3280030, MONDO:0013607, OMIM 614172.
Deafness-lymphedema-leukemia syndrome. Also called: Emberger syndrome; Lymphedema, primary, with myelodysplasia. Identifiers: Orphanet 3226, MedGen C3279664, MONDO:0013540, OMIM 614038.

Submissions (3):

Ambry Genetics
Classification: Uncertain significance for Inborn genetic diseases. Last evaluated: 2026-07-15. Review status: criteria provided, single submitter. Criteria: Ambry Variant Classification Scheme 2023. Collection method: clinical testing. Allele origin: germline.
Comment: The p.R330Q variant (also known as c.989G>A), located in coding exon 3 of the GATA2 gene, results from a G to A substitution at nucleotide position 989. The arginine at codon 330 is replaced by glutamine, an amino acid with highly similar properties. This amino acid position is highly conserved in available vertebrate species. In addition, this alteration is predicted to be deleterious by in silico analysis. Based on the available evidence, the clinical significance of this variant remains unclear.

Clinical Genomics Laboratory, Washington University in St. Louis
Classification: Uncertain significance for Deafness-lymphedema-leukemia syndrome. Last evaluated: 2025-11-20. Review status: criteria provided, single submitter. Criteria: ACMG Guidelines, 2015. Collection method: clinical testing. Allele origin: germline.
Comment: A GATA2 c.989G>A (p.Arg330Gln) variant was identified at an allelic fraction consistent with somatic origin. The GATA2 c.989G>A (p.Arg330Gln) variant, to our knowledge, has not been reported in the medical literature in vascular anomalies but has been reported in patients with acute myeloid leukemia (Tawana K et al., PMID: 26162409; Greif P et al., PMID: 22649106). This variant has been reported in the ClinVar database as a germline variant of uncertain significance by one submitter (ClinVar ID: 1715055). It is absent from the general population (gnomAD v4.1.0), indicating it is not a common variant. Computational predictors indicate that the variant is damaging, evidence that correlates with impact to GATA2 function. Due to limited information, and based on internally developed protocol informed by the ACMG/AMP guidelines for variant interpretation and gene-specific practices from the ClinGen Criteria Specification Registry (Leon-Quintero FZ et al., PMID: 39434542), the clinical significance of the GATA2 c.989G>A (p.Arg330Gln) is uncertain at this time.

Labcorp Genetics (formerly Invitae), Labcorp
Classification: Uncertain significance for Monocytopenia with susceptibility to infections; Deafness-lymphedema-leukemia syndrome. Last evaluated: 2022-08-04. Review status: criteria provided, single submitter. Criteria: Invitae Variant Classification Sherloc (09022015). Collection method: clinical testing. Allele origin: germline.
Comment: This sequence change replaces arginine, which is basic and polar, with glutamine, which is neutral and polar, at codon 330 of the GATA2 protein (p.Arg330Gln). This variant is not present in population databases (gnomAD no frequency). This variant has not been reported in the literature in individuals affected with GATA2-related conditions. Advanced modeling of protein sequence and biophysical properties (such as structural, functional, and spatial information, amino acid conservation, physicochemical variation, residue mobility, and thermodynamic stability) performed at Invitae indicates that this missense variant is expected to disrupt GATA2 protein function. In summary, the available evidence is currently insufficient to determine the role of this variant in disease. Therefore, it has been classified as a Variant of Uncertain Significance.

NM_032638.5(GATA2):c.989G>A (p.Arg330Gln)

Gene: GATA2 (GATA binding protein 2; minus strand). Cytogenetic location: 3q21.3.
Variant type: single nucleotide variant.
Coding change: c.989G>A on transcript NM_032638.5 (MANE Select); coding-DNA position 989, G replaced by A.
Protein change: p.Arg330Gln; replaces arginine 330 with glutamine.
Molecular consequence: missense variant.
Genome position (GRCh38, 1-based): chr3:128,483,888, C>T on the plus strand (G>A on the coding strand, the complement: GATA2 is on the minus strand). VCF-style: chr3-128483888-C-T. GRCh37 (hg19) VCF-style: chr3-128202731-C-T.
Other names: c.989G>A, p.Arg330Gln (NM_001145661.2, NM_001145662.1); short protein forms R330Q.
Identifiers: ClinVar variation 1715055 (VCV001715055.7), dbSNP rs2107670339, ClinGen allele CA354404339.